The following is an entry in ClinVar:

ClinVar aggregate classification (germline): Uncertain significance (1 of 4 stars; one submission).

Submission:

Labcorp Genetics (formerly Invitae), Labcorp
Classification: Uncertain significance. Last evaluated: 2021-06-13. Review status: criteria provided, single submitter. Criteria: Invitae Variant Classification Sherloc (09022015). Collection method: clinical testing. Allele origin: germline.
Comment: In summary, the available evidence is currently insufficient to determine the role of this variant in disease. Therefore, it has been classified as a Variant of Uncertain Significance. Algorithms developed to predict the effect of sequence changes on RNA splicing suggest that this variant may disrupt the consensus splice site, but this prediction has not been confirmed by published transcriptional studies. This variant has not been reported in the literature in individuals with SPPL2A-related conditions. The frequency data for this variant in the population databases is considered unreliable, as metrics indicate poor data quality at this position in the ExAC database. This sequence change falls in intron 13 of the SPPL2A gene. It does not directly change the encoded amino acid sequence of the SPPL2A protein.

NM_032802.4(SPPL2A):c.1328-7_1328-5del

Gene: SPPL2A (signal peptide peptidase like 2A; minus strand). Cytogenetic location: 15q21.2.
Variant type: Microsatellite.
Coding change: c.1328-7_1328-5del on transcript NM_032802.4 (MANE Select); 7 bases into the intron before coding-DNA position 1328 through 5 bases into the intron before coding-DNA position 1328, 3 bases deleted (CTT; older notation c.1328-7_1328-5delCTT).
Molecular consequence: intron variant.
Genome position (GRCh38, 1-based): chr15:50,720,105-50,720,107, AAG deleted on the plus strand (CTT on the coding strand, the reverse complement: SPPL2A is on the minus strand); deleting any 3 consecutive bases within chr15:50,720,105-50,720,112 gives the same sequence; the c. name uses the placement nearest the transcript's 3' end. VCF-style (leftmost placement, unchanged base first): chr15-50720104-CAAG-C. GRCh37 (hg19) VCF-style: chr15-51012301-CAAG-C.
Identifiers: ClinVar variation 1371245 (VCV001371245.8), dbSNP rs769083040, ClinGen allele CA7558213.